The following is an entry in ClinVar:

NM_004360.5(CDH1):c.124C>T (p.Pro42Ser)

Gene: CDH1 (cadherin 1; plus strand). Cytogenetic location: 16q22.1.
Variant type: single nucleotide variant.
Coding change: c.124C>T on transcript NM_004360.5 (MANE Select); coding-DNA position 124, C replaced by T.
Protein change: p.Pro42Ser; replaces proline 42 with serine.
Molecular consequence: missense variant. On other transcripts: 5 prime UTR variant (2).
Genome position (GRCh38, 1-based): chr16:68,738,372, C>T. VCF-style: chr16-68738372-C-T. GRCh37 (hg19) VCF-style: chr16-68772275-C-T.
Other names: c.124C>T, p.Pro42Ser (NM_001317184.2); c.-1492C>T (NM_001317185.2); c.-1696C>T (NM_001317186.2); c.124C>T (NM_004360.3); short protein forms P42S.
Identifiers: ClinVar variation 1009329 (VCV001009329.12), dbSNP rs1962460692, ClinGen allele CA396452137.

ClinVar aggregate classification (germline): Uncertain significance. Review status: criteria provided, multiple submitters, no conflicts (2 of 4 stars). 3 submissions from 3 submitters: Uncertain significance (3). Last evaluated 2026-05-05.

Conditions:
Hereditary cancer-predisposing syndrome. Also called: Hereditary neoplastic syndrome; Neoplastic Syndromes, Hereditary; Tumor predisposition; Hereditary Cancer Syndrome. Identifiers: Orphanet 140162, MedGen C0027672, MeSH D009386, MONDO:0015356.
Hereditary diffuse gastric adenocarcinoma (HDGC). Also called: DIFFUSE GASTRIC AND LOBULAR BREAST CANCER SYNDROME. Identifiers: Orphanet 26106, MedGen C1708349, MONDO:0007648, OMIM 137215.

Submissions (3):

Ambry Genetics
Classification: Uncertain significance for Hereditary cancer-predisposing syndrome. Last evaluated: 2026-05-05. Review status: criteria provided, single submitter. Criteria: Ambry Variant Classification Scheme 2023. Collection method: clinical testing. Allele origin: germline.
Comment: The p.P42S variant (also known as c.124C>T), located in coding exon 2 of the CDH1 gene, results from a C to T substitution at nucleotide position 124. The proline at codon 42 is replaced by serine, an amino acid with similar properties. This amino acid position is conserved. In addition, this alteration is predicted to be tolerated by in silico analysis. Based on the available evidence, the clinical significance of this variant remains unclear.

Labcorp Genetics (formerly Invitae), Labcorp
Classification: Uncertain significance for Hereditary diffuse gastric adenocarcinoma. Last evaluated: 2025-08-24. Review status: criteria provided, single submitter. Criteria: Invitae Variant Classification Sherloc (09022015). Collection method: clinical testing. Allele origin: germline.
Comment: This sequence change replaces proline, which is neutral and non-polar, with serine, which is neutral and polar, at codon 42 of the CDH1 protein (p.Pro42Ser). This variant is not present in population databases (gnomAD no frequency). This variant has not been reported in the literature in individuals affected with CDH1-related conditions. ClinVar contains an entry for this variant (Variation ID: 1009329). An algorithm developed to predict the effect of missense changes on protein structure and function outputs the following: PolyPhen-2: "Benign". The serine amino acid residue is found in multiple mammalian species, which suggests that this missense change does not adversely affect protein function. In summary, the available evidence is currently insufficient to determine the role of this variant in disease. Therefore, it has been classified as a Variant of Uncertain Significance.

GeneDx
Classification: Uncertain significance. Last evaluated: 2024-09-17. Review status: criteria provided, single submitter. Criteria: GeneDx Variant Classification Process June 2021. Collection method: clinical testing. Allele origin: germline. Affected: yes.
Comment: Not observed at significant frequency in large population cohorts (gnomAD); In silico analysis indicates that this missense variant does not alter protein structure/function; Has not been previously published as pathogenic or benign to our knowledge; This variant is associated with the following publications: (PMID: 15235021)